The following is an entry in ClinVar:

ClinVar aggregate classification (germline): Pathogenic (1 of 4 stars; one submission).

Conditions:
X-linked agammaglobulinemia with growth hormone deficiency (IGHD3). Also called: AGAMMAGLOBULINEMIA AND ISOLATED GROWTH HORMONE DEFICIENCY, X-LINKED; FLEISHER SYNDROME; Isolated growth hormone deficiency type 3; Growth hormone deficiency with hypogammaglobulinemia; ISOLATED GROWTH HORMONE DEFICIENCY, TYPE III, WITH AGAMMAGLOBULINEMIA; HYPOGAMMAGLOBULINEMIA AND ISOLATED GROWTH HORMONE DEFICIENCY, X-LINKED. Identifiers: Orphanet 231692, Orphanet 631, MedGen C0472813, MONDO:0010615, OMIM 307200.

Submission:

Labcorp Genetics (formerly Invitae), Labcorp
Classification: Pathogenic for X-linked agammaglobulinemia with growth hormone deficiency. Last evaluated: 2022-02-08. Review status: criteria provided, single submitter. Criteria: Invitae Variant Classification Sherloc (09022015). Collection method: clinical testing. Allele origin: germline.
Comment: For these reasons, this variant has been classified as Pathogenic. Algorithms developed to predict the effect of sequence changes on RNA splicing suggest that this variant may create or strengthen a splice site. This variant has not been reported in the literature in individuals affected with BTK-related conditions. This variant is not present in population databases (gnomAD no frequency). This sequence change creates a premature translational stop signal (p.Tyr134*) in the BTK gene. It is expected to result in an absent or disrupted protein product. Loss-of-function variants in BTK are known to be pathogenic (PMID: 15661032, 16862044, 19419768).

Literature cited by the submitters: PubMed 15661032; PubMed 16862044; PubMed 19419768.

NM_000061.3(BTK):c.402C>A (p.Tyr134Ter)

Gene: BTK (Bruton tyrosine kinase; minus strand). Cytogenetic location: Xq22.1.
Variant type: single nucleotide variant.
Coding change: c.402C>A on transcript NM_000061.3 (MANE Select); coding-DNA position 402, C replaced by A.
Protein change: p.Tyr134Ter; replaces tyrosine 134 with a stop codon.
Molecular consequence: nonsense.
Genome position (GRCh38, 1-based): chrX:101,362,679, G>T on the plus strand (C>A on the coding strand, the complement: BTK is on the minus strand). VCF-style: chrX-101362679-G-T. GRCh37 (hg19) VCF-style: chrX-100617667-G-T.
Other names: c.504C>A, p.Tyr168Ter (NM_001287344.2); c.402C>A, p.Tyr134Ter (NM_001287345.2); short protein forms Y168*, Y134*.
Identifiers: ClinVar variation 2094576 (VCV002094576.4), dbSNP rs1603010485, ClinGen allele CA413936005.
Genomic context (GRCh38, chrX:101,362,679, plus strand): 5'-GCAGAGATACTGCCCATCGATCCAGAAGCAAGGGTGATATTTCTGAACCAGATCACTGTT[G>T]TACCGGATTACTGTAGCAGGAAAGAAGAGAGAGATCACATCTGACATGGAGGAGAAGCCA-3'